The following is an entry in ClinVar:

NM_005902.4(SMAD3):c.538C>T (p.Pro180Ser)

Gene: SMAD3 (SMAD family member 3; plus strand). Cytogenetic location: 15q22.33.
Variant type: single nucleotide variant.
Coding change: c.538C>T on transcript NM_005902.4 (MANE Select); coding-DNA position 538, C replaced by T.
Protein change: p.Pro180Ser; replaces proline 180 with serine.
Molecular consequence: missense variant. On other transcripts: 5 prime UTR variant (2).
Genome position (GRCh38, 1-based): chr15:67,166,784, C>T. VCF-style: chr15-67166784-C-T. GRCh37 (hg19) VCF-style: chr15-67459122-C-T.
Other names: c.223C>T, p.Pro75Ser (NM_001145102.2, NM_001407016.1); c.406C>T, p.Pro136Ser (NM_001145103.2, NM_001407012.1); c.-48C>T (NM_001145104.2, NM_001407017.1); c.538C>T, p.Pro180Ser (NM_001407011.1, NM_001407013.1); c.391C>T, p.Pro131Ser (NM_001407014.1); c.91C>T, p.Pro31Ser (NM_001407015.1); short protein forms P31S, P75S, P180S, P131S, P136S.
Identifiers: ClinVar variation 3642574 (VCV003642574.2).

ClinVar aggregate classification (germline): Uncertain significance (1 of 4 stars; one submission).

Conditions:
Familial thoracic aortic aneurysm and aortic dissection (TAAD). Also called: Thoracic aortic aneurysms and dissections. Identifiers: Orphanet 91387, MedGen C4707243, MONDO:0019625.

Submission:

Labcorp Genetics (formerly Invitae), Labcorp
Classification: Uncertain significance for Familial thoracic aortic aneurysm and aortic dissection. Last evaluated: 2024-03-17. Review status: criteria provided, single submitter. Criteria: Invitae Variant Classification Sherloc (09022015). Collection method: clinical testing. Allele origin: germline.
Comment: This sequence change replaces proline, which is neutral and non-polar, with serine, which is neutral and polar, at codon 180 of the SMAD3 protein (p.Pro180Ser). This variant is not present in population databases (gnomAD no frequency). This variant has not been reported in the literature in individuals affected with SMAD3-related conditions. Advanced modeling of protein sequence and biophysical properties (such as structural, functional, and spatial information, amino acid conservation, physicochemical variation, residue mobility, and thermodynamic stability) performed at Invitae indicates that this missense variant is not expected to disrupt SMAD3 protein function with a negative predictive value of 80%. In summary, the available evidence is currently insufficient to determine the role of this variant in disease. Therefore, it has been classified as a Variant of Uncertain Significance.